The following is an entry in ClinVar:

NM_001374736.1(DST):c.21595A>G (p.Thr7199Ala)

Gene: DST (dystonin; minus strand). Cytogenetic location: 6p12.1.
Variant type: single nucleotide variant.
Coding change: c.21595A>G on transcript NM_001374736.1 (MANE Select); coding-DNA position 21595, A replaced by G.
Protein change: p.Thr7199Ala; replaces threonine 7199 with alanine.
Molecular consequence: missense variant.
Genome position (GRCh38, 1-based): chr6:56,477,425, T>C on the plus strand (A>G on the coding strand, the complement: DST is on the minus strand). VCF-style: chr6-56477425-T-C. GRCh37 (hg19) VCF-style: chr6-56342223-T-C.
Other names: c.15238A>G, p.Thr5080Ala (NM_001144769.5); c.14824A>G, p.Thr4942Ala (NM_001144770.2); c.21595A>G, p.Thr7199Ala (NM_001374722.1); c.20635A>G, p.Thr6879Ala (NM_001374729.1); c.14377A>G, p.Thr4793Ala (NM_001374730.1); c.21622A>G, p.Thr7208Ala (NM_001374734.1); c.13726A>G, p.Thr4576Ala (NM_015548.5); c.14704A>G, p.Thr4902Ala (NM_183380.4); short protein forms T4576A, T4793A, T4902A, T7208A, T6879A, T4942A, T5080A, T7199A.
Identifiers: ClinVar variation 966280 (VCV000966280.8), dbSNP rs2095245434, ClinGen allele CA364511170.

ClinVar aggregate classification (germline): Uncertain significance (1 of 4 stars; one submission).

Conditions:
Hereditary sensory and autonomic neuropathy type 6. Also called: Neuropathy, hereditary sensory and autonomic, type VI; HSAN VI. Identifiers: Orphanet 314381, MedGen C3539003, MONDO:0013839, OMIM 614653.
Epidermolysis bullosa simplex 3, localized or generalized intermediate, with BP230 deficiency (EBS3). Also called: Epidermolysis bullosa simplex, autosomal recessive 2; Epidermolysis bullosa simplex due to BP230 deficiency. Identifiers: Orphanet 412181, MedGen C3809470, MONDO:0014180, OMIM 615425.

Submission:

Labcorp Genetics (formerly Invitae), Labcorp
Classification: Uncertain significance for Epidermolysis bullosa simplex 3, localized or generalized intermediate, with BP230 deficiency; Hereditary sensory and autonomic neuropathy type 6. Last evaluated: 2019-11-27. Review status: criteria provided, single submitter. Criteria: Invitae Variant Classification Sherloc (09022015). Collection method: clinical testing. Allele origin: germline.
Comment: This variant is not present in population databases (ExAC no frequency). In summary, the available evidence is currently insufficient to determine the role of this variant in disease. Therefore, it has been classified as a Variant of Uncertain Significance. Algorithms developed to predict the effect of missense changes on protein structure and function output the following: SIFT: "Tolerated"; PolyPhen-2: "Not Available"; Align-GVGD: "Class C0". The alanine amino acid residue is found in multiple mammalian species, suggesting that this missense change does not adversely affect protein function. These predictions have not been confirmed by published functional studies and their clinical significance is uncertain. This variant has not been reported in the literature in individuals with DST-related conditions. This sequence change replaces threonine with alanine at codon 4576 of the DST protein (p.Thr4576Ala). The threonine residue is weakly conserved and there is a small physicochemical difference between the two amino acids. The DST gene has multiple clinically relevant transcripts. This variant occurs in alternate transcript NM_015548.4, and corresponds to NM_001723.5:c.*138092A>G in the primary transcript.